The following is an entry in ClinVar:

NM_002458.3(MUC5B):c.14690C>T (p.Ser4897Leu)

Gene: MUC5B (mucin 5B, oligomeric mucus/gel-forming; plus strand). Cytogenetic location: 11p15.5.
Variant type: single nucleotide variant.
Coding change: c.14690C>T on transcript NM_002458.3 (MANE Select); coding-DNA position 14690, C replaced by T.
Protein change: p.Ser4897Leu; replaces serine 4897 with leucine.
Molecular consequence: missense variant.
Genome position (GRCh38, 1-based): chr11:1,251,570, C>T. VCF-style: chr11-1251570-C-T. GRCh37 (hg19) VCF-style: chr11-1272800-C-T.
Other names: short protein forms S4897L.
Identifiers: ClinVar variation 3352792 (VCV003352792.1).

ClinVar aggregate classification (germline): Benign (0 of 4 stars; one submission).

Conditions:
MUC5B-related disorder. Also called: MUC5B-related condition.

gnomAD v4.1: 52,411 of 1,612,840 alleles (3.2%); highest among the groups gnomAD compares: Middle Eastern, 7.8%; 1,094 homozygotes.

Submission:

PreventionGenetics, part of Exact Sciences
Classification: Benign for MUC5B-related condition. Last evaluated: 2024-08-31. Review status: no assertion criteria provided. Collection method: clinical testing. Allele origin: germline.
Comment: This variant is classified as benign based on ACMG/AMP sequence variant interpretation guidelines (Richards et al. 2015 PMID: 25741868, with internal and published modifications).